The following is an entry in ClinVar:

NM_000719.7(CACNA1C):c.1460A>C (p.Glu487Ala)

Gene: CACNA1C (calcium voltage-gated channel subunit alpha1 C; plus strand). Cytogenetic location: 12p13.33.
Variant type: single nucleotide variant.
Coding change: c.1460A>C on transcript NM_000719.7 (MANE Select); coding-DNA position 1460, A replaced by C.
Protein change: p.Glu487Ala; replaces glutamic acid 487 with alanine.
Molecular consequence: missense variant.
Genome position (GRCh38, 1-based): chr12:2,550,012, A>C. VCF-style: chr12-2550012-A-C. GRCh37 (hg19) VCF-style: chr12-2659178-A-C.
Other names: c.1460A>C, p.Glu487Ala (NM_001129835.2, NM_001129836.2, NM_001129837.2 and 18 more transcripts); c.1451A>C, p.Glu484Ala (NM_001129844.2); short protein forms E487A, E484A.
Identifiers: ClinVar variation 2749517 (VCV002749517.4), dbSNP rs755308493, ClinGen allele CA6388738.

ClinVar aggregate classification (germline): Uncertain significance. Review status: criteria provided, multiple submitters, no conflicts (2 of 4 stars). 2 submissions from 2 submitters: Uncertain significance (2). Last evaluated 2025-03-10.

Conditions:
Long QT syndrome (LQTS). Identifiers: MedGen C0023976, MeSH D008133, MONDO:0002442. Disease mechanism: loss of function. Inheritance: Various modes of inheritance.
Cardiovascular phenotype. Identifiers: MedGen CN230736.

Allele frequency attached by ClinVar (database versions not stated): gnomAD exomes below 0.00001; ExAC 0.00001.
gnomAD v4.1: 2 of 1,606,962 alleles (0.00012%); highest among the groups gnomAD compares: Non-Finnish European, 0.00017%; no homozygotes.

Submissions (2):

Labcorp Genetics (formerly Invitae), Labcorp
Classification: Uncertain significance for Long QT syndrome. Last evaluated: 2025-03-10. Review status: criteria provided, single submitter. Criteria: Invitae Variant Classification Sherloc (09022015). Collection method: clinical testing. Allele origin: germline.
Comment: This sequence change replaces glutamic acid, which is acidic and polar, with alanine, which is neutral and non-polar, at codon 487 of the CACNA1C protein (p.Glu487Ala). This variant is present in population databases (rs755308493, gnomAD 0.002%). This variant has not been reported in the literature in individuals affected with CACNA1C-related conditions. ClinVar contains an entry for this variant (Variation ID: 2749517). Invitae Evidence Modeling of protein sequence and biophysical properties (such as structural, functional, and spatial information, amino acid conservation, physicochemical variation, residue mobility, and thermodynamic stability) has been performed for this missense variant. However, the output from this modeling did not meet the statistical confidence thresholds required to predict the impact of this variant on CACNA1C protein function. In summary, the available evidence is currently insufficient to determine the role of this variant in disease. Therefore, it has been classified as a Variant of Uncertain Significance.

Ambry Genetics
Classification: Uncertain significance for Cardiovascular phenotype. Last evaluated: 2024-12-23. Review status: criteria provided, single submitter. Criteria: Ambry Variant Classification Scheme 2023. Collection method: clinical testing. Allele origin: germline.
Comment: The p.E487A variant (also known as c.1460A>C), located in coding exon 10 of the CACNA1C gene, results from an A to C substitution at nucleotide position 1460. The glutamic acid at codon 487 is replaced by alanine, an amino acid with dissimilar properties. This amino acid position is well conserved in available vertebrate species. In addition, the in silico prediction for this alteration is inconclusive. Based on the available evidence, the clinical significance of this variant remains unclear.